The following is an entry in ClinVar:

NM_001903.5(CTNNA1):c.1473G>C (p.Trp491Cys)

Gene: CTNNA1 (catenin alpha 1; plus strand). Cytogenetic location: 5q31.2.
Variant type: single nucleotide variant.
Coding change: c.1473G>C on transcript NM_001903.5 (MANE Select); coding-DNA position 1473, G replaced by C.
Protein change: p.Trp491Cys; replaces tryptophan 491 with cysteine.
Molecular consequence: missense variant.
Genome position (GRCh38, 1-based): chr5:138,917,825, G>C. VCF-style: chr5-138917825-G-C. GRCh37 (hg19) VCF-style: chr5-138253514-G-C.
Other names: c.1473G>C, p.Trp491Cys (NM_001290307.3, NM_001323982.2, NM_001323983.1 and 2 more transcripts); c.1164G>C, p.Trp388Cys (NM_001290309.3); c.1104G>C, p.Trp368Cys (NM_001290310.3); c.363G>C, p.Trp121Cys (NM_001290312.1, NM_001323987.1, NM_001323988.1 and 17 more transcripts); c.1380G>C, p.Trp460Cys (NM_001323986.2); c.24G>C, p.Trp8Cys (NM_001324006.1, NM_001324007.1, NM_001324008.1 and 2 more transcripts); c.270G>C, p.Trp90Cys (NM_001324011.1); c.120G>C, p.Trp40Cys (NM_001324012.1, NM_001324013.1); short protein forms W121C, W368C, W388C, W40C, W460C, W491C, W8C, W90C.
Identifiers: ClinVar variation 3221880 (VCV003221880.1), dbSNP rs2533589742, ClinGen allele CA361137269.

ClinVar aggregate classification (germline): Uncertain significance (1 of 4 stars; one submission).

Conditions:
Hereditary cancer-predisposing syndrome. Also called: Tumor predisposition; Hereditary neoplastic syndrome; Hereditary Cancer Syndrome; Neoplastic Syndromes, Hereditary. Identifiers: Orphanet 140162, MedGen C0027672, MeSH D009386, MONDO:0015356.

Submission:

Ambry Genetics
Classification: Uncertain significance for Hereditary cancer-predisposing syndrome. Last evaluated: 2024-01-25. Review status: criteria provided, single submitter. Criteria: Ambry Variant Classification Scheme 2023. Collection method: clinical testing. Allele origin: germline.
Comment: The p.W491C variant (also known as c.1473G>C), located in coding exon 10 of the CTNNA1 gene, results from a G to C substitution at nucleotide position 1473. The tryptophan at codon 491 is replaced by cysteine, an amino acid with highly dissimilar properties. This amino acid position is conserved. In addition, this alteration is predicted to be deleterious by in silico analysis. Based on the available evidence, the clinical significance of this alteration remains unclear.